The following is an entry in ClinVar:

ClinVar aggregate classification (germline): Uncertain significance (1 of 4 stars; one submission).

Conditions:
Ataxia-telangiectasia syndrome (AT). Also called: LOUIS-BAR SYNDROME; AT, COMPLEMENTATION GROUP C; ATAXIA-TELANGIECTASIA, COMPLEMENTATION GROUP A; ATAXIA-TELANGIECTASIA, FRESNO VARIANT; Ataxia-telangiectasia; Cerebello-oculocutaneous telangiectasia. Identifiers: Orphanet 100, MedGen C0004135, MONDO:0008840, OMIM 208900.

Submission:

Labcorp Genetics (formerly Invitae), Labcorp
Classification: Uncertain significance for Ataxia-telangiectasia syndrome. Last evaluated: 2023-08-24. Review status: criteria provided, single submitter. Criteria: Invitae Variant Classification Sherloc (09022015). Collection method: clinical testing. Allele origin: germline.
Comment: This sequence change replaces glutamic acid, which is acidic and polar, with glutamine, which is neutral and polar, at codon 641 of the ATM protein (p.Glu641Gln). This variant is not present in population databases (gnomAD no frequency). This variant has not been reported in the literature in individuals affected with ATM-related conditions. An algorithm developed to predict the effect of missense changes on protein structure and function (PolyPhen-2) suggests that this variant is likely to be tolerated. Algorithms developed to predict the effect of sequence changes on RNA splicing suggest that this variant may disrupt the consensus splice site. In summary, the available evidence is currently insufficient to determine the role of this variant in disease. Therefore, it has been classified as a Variant of Uncertain Significance.

NM_000051.4(ATM):c.1921G>C (p.Glu641Gln)

Gene: ATM (ATM serine/threonine kinase; plus strand). Cytogenetic location: 11q22.3.
Variant type: single nucleotide variant.
Coding change: c.1921G>C on transcript NM_000051.4 (MANE Select); coding-DNA position 1921, G replaced by C.
Protein change: p.Glu641Gln; replaces glutamic acid 641 with glutamine.
Molecular consequence: missense variant.
Genome position (GRCh38, 1-based): chr11:108,253,836, G>C. VCF-style: chr11-108253836-G-C. GRCh37 (hg19) VCF-style: chr11-108124563-G-C.
Other names: c.1921G>C, p.Glu641Gln (NM_001351834.2); short protein forms E641Q.
Identifiers: ClinVar variation 2754938 (VCV002754938.3), dbSNP rs2497309812, ClinGen allele CA382536446.